The following is an entry in ClinVar:

ClinVar aggregate classification (germline): Uncertain significance (1 of 4 stars; one submission).

Conditions:
Familial thoracic aortic aneurysm and aortic dissection (TAAD). Also called: Thoracic aortic aneurysms and dissections. Identifiers: Orphanet 91387, MedGen C4707243, MONDO:0019625.

Submission:

Ambry Genetics
Classification: Uncertain significance for Familial thoracic aortic aneurysm and aortic dissection. Last evaluated: 2026-04-02. Review status: criteria provided, single submitter. Criteria: Ambry Variant Classification Scheme 2023. Collection method: clinical testing. Allele origin: germline.
Comment: The p.G1003R variant (also known as c.3007G>C) is located in coding exon 39 of the COL5A1 gene. The glycine at codon 1003 is replaced by arginine, an amino acid with dissimilar properties. This change occurs in the first base pair of coding exon 39. This amino acid position is conserved. In addition, this alteration is predicted to be deleterious by in silico analysis. Based on the available evidence, the clinical significance of this variant remains unclear.

NM_000093.5(COL5A1):c.3007G>C (p.Gly1003Arg)

Gene: COL5A1 (collagen type V alpha 1 chain; plus strand). Cytogenetic location: 9q34.3.
Variant type: single nucleotide variant.
Coding change: c.3007G>C on transcript NM_000093.5 (MANE Select); coding-DNA position 3007, G replaced by C.
Protein change: p.Gly1003Arg; replaces glycine 1003 with arginine.
Molecular consequence: missense variant.
Genome position (GRCh38, 1-based): chr9:134,802,888, G>C. VCF-style: chr9-134802888-G-C. GRCh37 (hg19) VCF-style: chr9-137694734-G-C.
Other names: c.3007G>C, p.Gly1003Arg (NM_001278074.1); short protein forms G1003R.
Identifiers: ClinVar variation 4869230 (VCV004869230.1).